The following is an entry in ClinVar:

NM_021098.3(CACNA1H):c.4708G>A (p.Ala1570Thr)

Gene: CACNA1H (calcium voltage-gated channel subunit alpha1 H; plus strand). Cytogenetic location: 16p13.3.
Variant type: single nucleotide variant.
Coding change: c.4708G>A on transcript NM_021098.3 (MANE Select); coding-DNA position 4708, G replaced by A.
Protein change: p.Ala1570Thr; replaces alanine 1570 with threonine.
Molecular consequence: missense variant.
Genome position (GRCh38, 1-based): chr16:1,212,087, G>A. VCF-style: chr16-1212087-G-A. GRCh37 (hg19) VCF-style: chr16-1262087-G-A.
Other names: c.4708G>A, p.Ala1570Thr (NM_001005407.2); short protein forms A1570T.
Identifiers: ClinVar variation 3364426 (VCV003364426.3).

ClinVar aggregate classification (germline): Uncertain significance. Review status: criteria provided, multiple submitters, no conflicts (2 of 4 stars). 3 submissions from 3 submitters: Uncertain significance (3). Last evaluated 2024-01-30.

Conditions:
Hyperaldosteronism, familial, type IV (HALD4). Also called: FH IV; ALDOSTERONISM, PRIMARY, AND HYPERTENSION. Identifiers: Orphanet 642671, MedGen C4310756, MONDO:0014875, OMIM 617027.
Epilepsy, childhood absence, susceptibility to, 6. Identifiers: Orphanet 64280, MedGen C2749872, MONDO:0012763, OMIM 611942.

Submissions (3):

Fulgent Genetics
Classification: Uncertain significance for Epilepsy, childhood absence, susceptibility to, 6; Hyperaldosteronism, familial, type IV. Last evaluated: 2024-01-30. Review status: criteria provided, single submitter. Criteria: ACMG Guidelines, 2015. Collection method: clinical testing. Allele origin: germline.

GeneDx
Classification: Uncertain significance. Last evaluated: 2023-11-18. Review status: criteria provided, single submitter. Criteria: GeneDx Variant Classification Process June 2021. Collection method: clinical testing. Allele origin: germline. Affected: yes.
Comment: Not observed at significant frequency in large population cohorts (gnomAD); In silico analysis supports that this missense variant has a deleterious effect on protein structure/function; Has not been previously published as pathogenic or benign to our knowledge

Clinical Genomics Laboratory, Stanford Medicine
Classification: Uncertain significance for Hyperaldosteronism, familial, type IV. Last evaluated: 2023-09-01. Review status: criteria provided, single submitter. Criteria: ACMG Guidelines, 2015. Collection method: clinical testing. Allele origin: germline. Observed: 1 variant allele, 1 heterozygote.